The following is an entry in ClinVar:

ClinVar aggregate classification (germline): Pathogenic/Likely pathogenic. Review status: criteria provided, multiple submitters, no conflicts (2 of 4 stars). 2 submissions from 2 submitters: Pathogenic (1); Likely pathogenic (1). Last evaluated 2024-03-05.

Conditions:
Peroxisome biogenesis disorder 3A (Zellweger). Also called: PEROXISOMAL BIOGENESIS DISORDER 3A (ZELLWEGER); Peroxisome biogenesis disorder 3A. Identifiers: Orphanet 912, MedGen C3553929, MONDO:0013927, OMIM 614859.

Allele frequency attached by ClinVar (database versions not stated): TOPMed below 0.00001.

Submissions (2):

Baylor Genetics
Classification: Likely pathogenic for Peroxisome biogenesis disorder 3A (Zellweger). Last evaluated: 2024-03-05. Review status: criteria provided, single submitter. Criteria: ACMG Guidelines, 2015. Collection method: clinical testing. Allele origin: unknown.

Labcorp Genetics (formerly Invitae), Labcorp
Classification: Pathogenic for Peroxisome biogenesis disorder 3A (Zellweger). Last evaluated: 2021-07-03. Review status: criteria provided, single submitter. Criteria: Invitae Variant Classification Sherloc (09022015). Collection method: clinical testing. Allele origin: germline.
Comment: This sequence change creates a premature translational stop signal (p.Thr281Ilefs*8) in the PEX12 gene. While this is not anticipated to result in nonsense mediated decay, it is expected to disrupt the last 79 amino acid(s) of the PEX12 protein. This variant is not present in population databases (ExAC no frequency). This variant has not been reported in the literature in individuals affected with PEX12-related conditions. This variant disrupts a region of the PEX12 protein in which other variant(s) (p.Gln349del) have been determined to be pathogenic (PMID: 15542397, 21031596; Invitae). This suggests that this is a clinically significant region of the protein, and that variants that disrupt it are likely to be disease-causing. For these reasons, this variant has been classified as Pathogenic.

Literature cited by the submitters: PubMed 15542397 (cited by Labcorp Genetics (formerly Invitae), Labcorp); PubMed 21031596 (cited by Labcorp Genetics (formerly Invitae), Labcorp).

NM_000286.3(PEX12):c.842del (p.Thr281fs)

Gene: PEX12 (peroxisomal biogenesis factor 12; minus strand). Cytogenetic location: 17q12.
Variant type: Deletion.
Coding change: c.842del on transcript NM_000286.3 (MANE Select); coding-DNA position 842, one base deleted (C; older notation c.842delC).
Protein change: p.Thr281fs; shifts the reading frame from threonine 281.
Molecular consequence: frameshift variant.
Genome position (GRCh38, 1-based): chr17:35,576,020, G deleted on the plus strand (C on the coding strand, the reverse complement: PEX12 is on the minus strand). VCF-style (leftmost placement, unchanged base first): chr17-35576019-AG-A. GRCh37 (hg19) VCF-style: chr17-33903038-AG-A.
Other names: short protein forms T281fs.
Identifiers: ClinVar variation 1454243 (VCV001454243.7), dbSNP rs2072782816, ClinGen allele CA2257586620.